The following is an entry in ClinVar:

ClinVar aggregate classification (germline): Likely benign (1 of 4 stars; one submission).

Allele frequency attached by ClinVar (database versions not stated): 1000 Genomes Project 0.00200; 1000 Genomes Project 30x 0.00219; TOPMed 0.00272; ESP Exome Variant Server 0.00323; ExAC 0.00507; gnomAD 0.00520; gnomAD exomes 0.00521.
gnomAD v4.1: 8,353 of 1,613,908 alleles (0.52%); highest among the groups gnomAD compares: Non-Finnish European, 0.52%; 45 homozygotes.

Submission:

CeGaT Center for Human Genetics Tuebingen
Classification: Likely benign. Last evaluated: 2022-11-01. Review status: criteria provided, single submitter. Criteria: CeGaT Center For Human Genetics Tuebingen Variant Classification Criteria Version 2. Collection method: clinical testing. Allele origin: germline. Affected: yes. Observed: 2 variant alleles.
Comment: KIF21B: BP4, BP7, BS2

NM_001252102.2(KIF21B):c.2223C>T (p.Tyr741=)

Gene: KIF21B (kinesin family member 21B; minus strand). Cytogenetic location: 1q32.1.
Variant type: single nucleotide variant.
Coding change: c.2223C>T on transcript NM_001252102.2 (MANE Select); coding-DNA position 2223, C replaced by T.
Protein change: p.Tyr741=; no amino-acid change (tyrosine 741 retained).
Molecular consequence: synonymous variant.
Genome position (GRCh38, 1-based): chr1:200,996,250, G>A on the plus strand (C>T on the coding strand, the complement: KIF21B is on the minus strand). VCF-style: chr1-200996250-G-A. GRCh37 (hg19) VCF-style: chr1-200965378-G-A.
Other names: c.2223C>T, p.Tyr741= (NM_001252100.2, NM_001252103.2, NM_017596.4).
Identifiers: ClinVar variation 2639733 (VCV002639733.24), dbSNP rs80251189, ClinGen allele CA1321055.
Genomic context (GRCh38, chr1:200,996,250, plus strand): 5'-CCCTACCTTGGCCTTCTTCATCTCAGCCACCTCGGCCTGTAGCTTCTTCAGCTCCCTCTC[G>A]TAGCGCGACTGGTTCTTAAGCAGCCGGGCGTGCTCTTTCTGGGCGGCCTGCAGCTTCTGC-3'
Protein context (NP_001239031.1, residues 731-751): HARLLKNQSR[Tyr741=]ERELKKLQAE